The following is an entry in ClinVar:

ClinVar aggregate classification (germline): Pathogenic (1 of 4 stars; one submission).

Conditions:
Tuberous sclerosis 2 (TSC2). Identifiers: Orphanet 805, MedGen C1860707, MONDO:0013199, OMIM 613254.

Submission:

Labcorp Genetics (formerly Invitae), Labcorp
Classification: Pathogenic for Tuberous sclerosis 2. Last evaluated: 2018-05-21. Review status: criteria provided, single submitter. Criteria: Invitae Variant Classification Sherloc (09022015). Collection method: clinical testing. Allele origin: germline.
Comment: This variant is not present in population databases (ExAC no frequency). For these reasons, this variant has been classified as Pathogenic. Loss-of-function variants in TSC2 are known to be pathogenic (PMID: 10205261, 17304050). This variant has been reported in an individual in the Leiden Open-source Variation Database (PMID: 21520333). This sequence change creates a premature translational stop signal (p.Cys1600Trpfs*2) in the TSC2 gene. It is expected to result in an absent or disrupted protein product.

Literature cited by the submitters: PubMed 10205261; PubMed 17304050; PubMed 21520333.

NM_000548.5(TSC2):c.4800_4801del (p.Cys1600fs)

Gene: TSC2 (TSC complex subunit 2; plus strand). Cytogenetic location: 16p13.3.
Variant type: Microsatellite.
Coding change: c.4800_4801del on transcript NM_000548.5 (MANE Select); coding-DNA positions 4800 to 4801, 2 bases deleted (TG; older notation c.4800_4801delTG).
Protein change: p.Cys1600fs; shifts the reading frame from cysteine 1600.
Molecular consequence: frameshift variant.
Genome position (GRCh38, 1-based): chr16:2,086,330-2,086,331, TG deleted; deleting any 2 consecutive bases within chr16:2,086,325-2,086,331 gives the same sequence; the c. name uses the placement nearest the transcript's 3' end. VCF-style (leftmost placement, unchanged base first): chr16-2086324-CGT-C. GRCh37 (hg19) VCF-style: chr16-2136325-CGT-C.
Other names: c.4068_4069del, p.Cys1356fs (NM_001318831.2); c.4632_4633del, p.Cys1544fs (NM_001318832.2); c.4602_4603del, p.Cys1534fs (NM_001363528.2); c.4668_4669del, p.Cys1556fs (NM_001370404.1); c.4671_4672del, p.Cys1557fs (NM_001370405.1, NM_021055.3); c.4599_4600del, p.Cys1533fs (NM_001077183.3); c.4731_4732del, p.Cys1577fs (NM_001114382.3); c.4491_4492del, p.Cys1497fs (NM_001318827.2); and 1 more; short protein forms C1556fs, C1577fs, C1600fs, C1356fs, C1533fs, C1544fs, C1485fs, C1497fs.
Identifiers: ClinVar variation 573178 (VCV000573178.6), dbSNP rs1567533467, ClinGen allele CA891844198.